The following is an entry in ClinVar:

ClinVar aggregate classification (germline): Conflicting classifications of pathogenicity. Review status: criteria provided, conflicting classifications (1 of 4 stars). 4 submissions from 4 submitters: Uncertain significance (2); Likely benign (2). Last evaluated 2024-02-17.

Conditions:
Cardiac arrhythmia. Also called: Cardiac rhythm disease; Arrhythmia. Identifiers: MedGen C0003811, MONDO:0007263, HP:0011675.
Cardiovascular phenotype. Identifiers: MedGen CN230736.
Long QT syndrome (LQTS). Identifiers: MedGen C0023976, MeSH D008133, MONDO:0002442. Disease mechanism: loss of function. Inheritance: Various modes of inheritance.

Allele frequency attached by ClinVar (database versions not stated): 1000 Genomes Project 0.00020; gnomAD 0.00001; 1000 Genomes Project 30x 0.00031.
gnomAD v4.1: 13 of 1,609,164 alleles (0.00081%); highest among the groups gnomAD compares: East Asian, 0.0022%; no homozygotes.

Submissions (4):

Labcorp Genetics (formerly Invitae), Labcorp
Classification: Uncertain significance for Long QT syndrome. Last evaluated: 2024-02-17. Review status: criteria provided, single submitter. Criteria: Invitae Variant Classification Sherloc (09022015). Collection method: clinical testing. Allele origin: germline.
Comment: This sequence change falls in intron 4 of the KCNQ1 gene. It does not directly change the encoded amino acid sequence of the KCNQ1 protein. It affects a nucleotide within the consensus splice site. This variant is present in population databases (rs554698776, gnomAD 0.003%). This variant has not been reported in the literature in individuals affected with KCNQ1-related conditions. ClinVar contains an entry for this variant (Variation ID: 922014). Variants that disrupt the consensus splice site are a relatively common cause of aberrant splicing (PMID: 17576681, 9536098). Algorithms developed to predict the effect of sequence changes on RNA splicing suggest that this variant is not likely to affect RNA splicing. In summary, the available evidence is currently insufficient to determine the role of this variant in disease. Therefore, it has been classified as a Variant of Uncertain Significance.

All of Us Research Program, National Institutes of Health
Classification: Likely benign for Long QT syndrome. Last evaluated: 2023-10-27. Review status: criteria provided, single submitter. Criteria: ACMG Guidelines, 2015. Collection method: clinical testing. Allele origin: germline. Inheritance: Autosomal dominant inheritance. Observed: 3 variant alleles, 3 heterozygotes.
Comment: This study involves interpretation of variants in research participants for the purpose of population health screening. Participant phenotype was not available at the time of variant classification. Additional details can be found in publication PMID: 35346344, PMCID: PMC8962531

Ambry Genetics
Classification: Uncertain significance for Cardiovascular phenotype. Last evaluated: 2023-07-20. Review status: criteria provided, single submitter. Criteria: Ambry Variant Classification Scheme 2023. Collection method: clinical testing. Allele origin: germline.
Comment: The c.683+4C>T intronic variant results from a C to T substitution 4 nucleotides after coding exon 4 in the KCNQ1 gene. This nucleotide position is not well conserved in available vertebrate species. In silico splice site analysis predicts that this alteration will not have any significant effect on splicing. Since supporting evidence is limited at this time, the clinical significance of this alteration remains unclear.

Color Diagnostics, LLC DBA Color Health
Classification: Likely benign for Arrhythmia. Last evaluated: 2019-07-02. Review status: criteria provided, single submitter. Criteria: ACMG Guidelines, 2015. Collection method: clinical testing. Allele origin: germline.

Literature cited by the submitters: PubMed 17576681 (cited by Labcorp Genetics (formerly Invitae), Labcorp); PubMed 9536098 (cited by Labcorp Genetics (formerly Invitae), Labcorp).

NM_000218.3(KCNQ1):c.683+4C>T

Gene: KCNQ1 (potassium voltage-gated channel subfamily Q member 1; plus strand). Cytogenetic location: 11p15.5.
Variant type: single nucleotide variant.
Coding change: c.683+4C>T on transcript NM_000218.3 (MANE Select); 4 bases into the intron after coding-DNA position 683, C replaced by T.
Molecular consequence: intron variant.
Genome position (GRCh38, 1-based): chr11:2,571,407, C>T. VCF-style: chr11-2571407-C-T. GRCh37 (hg19) VCF-style: chr11-2592637-C-T.
Other names: c.413+4C>T (NM_001406837.1); c.683+4C>T (NM_001406836.1); c.478-12028C>T (NM_001406838.1); c.302+4C>T (NM_181798.2).
Identifiers: ClinVar variation 922014 (VCV000922014.12), dbSNP rs554698776, ClinGen allele CA039816.